The following is an entry in ClinVar:

NM_001278512.2(AP3B2):c.2731C>T (p.His911Tyr)

Genes: AP3B2 (adaptor related protein complex 3 subunit beta 2; minus strand), CPEB1-AS1 (CPEB1 antisense RNA 1; plus strand). Cytogenetic location: 15q25.2.
Variant type: single nucleotide variant.
Coding change: c.2731C>T on transcript NM_001278512.2 (MANE Select); coding-DNA position 2731, C replaced by T.
Protein change: p.His911Tyr; replaces histidine 911 with tyrosine.
Molecular consequence: missense variant.
Genome position (GRCh38, 1-based): chr15:82,662,796, G>A on the plus strand (C>T on the coding strand, the complement: AP3B2 is on the minus strand). VCF-style: chr15-82662796-G-A. GRCh37 (hg19) VCF-style: chr15-83331548-G-A.
Other names: c.2674C>T (NM_004644.3); c.2578C>T, p.His860Tyr (NM_001278511.2); c.2674C>T, p.His892Tyr (NM_004644.5); short protein forms H860Y, H892Y, H911Y.
Identifiers: ClinVar variation 1411141 (VCV001411141.7), dbSNP rs367663532, ClinGen allele CA273479709.

ClinVar aggregate classification (germline): Uncertain significance. Review status: criteria provided, multiple submitters, no conflicts (2 of 4 stars). 2 submissions from 2 submitters: Uncertain significance (2). Last evaluated 2025-08-25.

Conditions:
Inborn genetic diseases. Identifiers: MedGen C0950123, MeSH D030342.

Allele frequency attached by ClinVar (database versions not stated): gnomAD exomes 0.00001; TOPMed 0.00002; gnomAD 0.00003; ESP Exome Variant Server 0.00008.
gnomAD v4.1: 15 of 1,613,716 alleles (0.00093%); highest among the groups gnomAD compares: African/African-American, 0.004%; no homozygotes.

Submissions (2):

Ambry Genetics
Classification: Uncertain significance for Inborn genetic diseases. Last evaluated: 2025-08-25. Review status: criteria provided, single submitter. Criteria: Ambry Variant Classification Scheme 2023. Collection method: clinical testing. Allele origin: germline.

Labcorp Genetics (formerly Invitae), Labcorp
Classification: Uncertain significance. Last evaluated: 2021-08-30. Review status: criteria provided, single submitter. Criteria: Invitae Variant Classification Sherloc (09022015). Collection method: clinical testing. Allele origin: germline.
Comment: This sequence change replaces histidine with tyrosine at codon 892 of the AP3B2 protein (p.His892Tyr). The histidine residue is weakly conserved and there is a moderate physicochemical difference between histidine and tyrosine. This variant is not present in population databases (ExAC no frequency). This variant has not been reported in the literature in individuals affected with AP3B2-related conditions. Algorithms developed to predict the effect of missense changes on protein structure and function (SIFT, PolyPhen-2, Align-GVGD) all suggest that this variant is likely to be tolerated. In summary, the available evidence is currently insufficient to determine the role of this variant in disease. Therefore, it has been classified as a Variant of Uncertain Significance.